The following is an entry in ClinVar:

NM_000179.3(MSH6):c.3647-18C>T

Gene: MSH6 (mutS homolog 6; plus strand). Cytogenetic location: 2p16.3.
Variant type: single nucleotide variant.
Coding change: c.3647-18C>T on transcript NM_000179.3 (MANE Select); 18 bases into the intron before coding-DNA position 3647, C replaced by T.
Molecular consequence: intron variant.
Genome position (GRCh38, 1-based): chr2:47,806,186, C>T. VCF-style: chr2-47806186-C-T. GRCh37 (hg19) VCF-style: chr2-48033325-C-T.
Other names: c.2741-18C>T (NM_001281493.2, NM_001281494.2); c.3257-18C>T (NM_001281492.2).
Identifiers: ClinVar variation 2054647 (VCV002054647.5), dbSNP rs1670034202, ClinGen allele CA2580067270.
Genomic context (GRCh38, chr2:47,806,186, plus strand): 5'-TCCTAGCATTTTTGTTTTAATTCCTTTTTTGTTTTAATTCCTTTGAGTTACTTCCTTATG[C>T]ATATTTTACTTTAACAGGAAGAGGTACTGCAACATTTGATGGGACGGCAATAGCAAATGC-3'

ClinVar aggregate classification (germline): Likely benign. Review status: criteria provided, multiple submitters, no conflicts (2 of 4 stars). 2 submissions from 2 submitters: Likely benign (2). Last evaluated 2025-01-07.

Conditions:
Hereditary nonpolyposis colorectal neoplasms. Identifiers: MedGen C0009405, MeSH D003123.
Lynch syndrome 5 (LYNCH5). Also called: Hereditary non-polyposis colorectal cancer, type 5; Colorectal cancer, hereditary nonpolyposis, type 5. Identifiers: Orphanet 144, MedGen C1833477, MONDO:0013710, OMIM 614350. Disease mechanism: loss of function.

Submissions (2):

Myriad Genetics, Inc.
Classification: Likely benign for Lynch syndrome 5. Last evaluated: 2025-01-07. Review status: criteria provided, single submitter. Criteria: Myriad Autosomal Dominant, Autosomal Recessive and X-Linked Classification Criteria (2023). Collection method: clinical testing. Allele origin: unknown.
Comment: This variant is considered likely benign. This variant is intronic and is not expected to impact mRNA splicing.

Labcorp Genetics (formerly Invitae), Labcorp
Classification: Likely benign for Hereditary nonpolyposis colorectal neoplasms. Last evaluated: 2024-04-29. Review status: criteria provided, single submitter. Criteria: Invitae Variant Classification Sherloc (09022015). Collection method: clinical testing. Allele origin: germline.